The following is an entry in ClinVar:

ClinVar aggregate classification (germline): Uncertain significance. Review status: criteria provided, multiple submitters, no conflicts (2 of 4 stars). 2 submissions from 2 submitters: Uncertain significance (2). Last evaluated 2025-08-18.

Conditions:
Hereditary cancer-predisposing syndrome. Also called: Tumor predisposition; Hereditary neoplastic syndrome; Hereditary Cancer Syndrome; Neoplastic Syndromes, Hereditary. Identifiers: Orphanet 140162, MedGen C0027672, MeSH D009386, MONDO:0015356.
Bloom syndrome (BLM). Also called: Bloom-Torre-Machacek syndrome. Identifiers: Orphanet 125, MedGen C0005859, MONDO:0008876, OMIM 210900.

Submissions (2):

Labcorp Genetics (formerly Invitae), Labcorp
Classification: Uncertain significance for Bloom syndrome. Last evaluated: 2025-08-18. Review status: criteria provided, single submitter. Criteria: Invitae Variant Classification Sherloc (09022015). Collection method: clinical testing. Allele origin: germline.
Comment: This sequence change replaces lysine, which is basic and polar, with asparagine, which is neutral and polar, at codon 514 of the BLM protein (p.Lys514Asn). This variant is not present in population databases (gnomAD no frequency). This variant has not been reported in the literature in individuals affected with BLM-related conditions. ClinVar contains an entry for this variant (Variation ID: 2147674). Invitae Evidence Modeling of protein sequence and biophysical properties (such as structural, functional, and spatial information, amino acid conservation, physicochemical variation, residue mobility, and thermodynamic stability) indicates that this missense variant is not expected to disrupt BLM protein function with a negative predictive value of 80%. In summary, the available evidence is currently insufficient to determine the role of this variant in disease. Therefore, it has been classified as a Variant of Uncertain Significance.

Ambry Genetics
Classification: Uncertain significance for Hereditary cancer-predisposing syndrome. Last evaluated: 2024-09-26. Review status: criteria provided, single submitter. Criteria: Ambry Variant Classification Scheme 2023. Collection method: clinical testing. Allele origin: germline.
Comment: The p.K514N variant (also known as c.1542A>C), located in coding exon 6 of the BLM gene, results from an A to C substitution at nucleotide position 1542. The lysine at codon 514 is replaced by asparagine, an amino acid with similar properties. This amino acid position is conserved. In addition, this alteration is predicted to be tolerated by in silico analysis. Based on the available evidence, the clinical significance of this variant remains unclear.

NM_000057.4(BLM):c.1542A>C (p.Lys514Asn)

Gene: BLM (BLM RecQ like helicase; plus strand). Cytogenetic location: 15q26.1.
Variant type: single nucleotide variant.
Coding change: c.1542A>C on transcript NM_000057.4 (MANE Select); coding-DNA position 1542, A replaced by C.
Protein change: p.Lys514Asn; replaces lysine 514 with asparagine.
Molecular consequence: missense variant.
Genome position (GRCh38, 1-based): chr15:90,760,915, A>C. VCF-style: chr15-90760915-A-C. GRCh37 (hg19) VCF-style: chr15-91304145-A-C.
Other names: c.1542A>C, p.Lys514Asn (NM_001287246.2, NM_001287247.2); c.417A>C, p.Lys139Asn (NM_001287248.2); short protein forms K514N, K139N.
Identifiers: ClinVar variation 2147674 (VCV002147674.5), dbSNP rs2505426910, ClinGen allele CA393843284.